The following is an entry in ClinVar:

NM_000551.4(VHL):c.481C>G (p.Arg161Gly)

Genes: VHL (von Hippel-Lindau tumor suppressor; plus strand), LOC107303340 (3p25 von Hippel-Lindau tumor suppressor, E3 ubiquitin protein ligase Alu-mediated recombination region; plus strand). Cytogenetic location: 3p25.3.
Variant type: single nucleotide variant.
Coding change: c.481C>G on transcript NM_000551.4 (MANE Select); coding-DNA position 481, C replaced by G.
Protein change: p.Arg161Gly; replaces arginine 161 with glycine.
Molecular consequence: missense variant. On other transcripts: 3 prime UTR variant (1).
Genome position (GRCh38, 1-based): chr3:10,149,804, C>G. VCF-style: chr3-10149804-C-G. GRCh37 (hg19) VCF-style: chr3-10191488-C-G.
Other names: c.*35C>G (NM_001354723.2); c.358C>G, p.Arg120Gly (NM_198156.3); short protein forms R161G, R120G.
Identifiers: ClinVar variation 618484 (VCV000618484.14), dbSNP rs5030818, ClinGen allele CA16621941.

ClinVar aggregate classification (germline): Pathogenic. Review status: criteria provided, multiple submitters, no conflicts (2 of 4 stars). 3 submissions from 3 submitters: Pathogenic (3). Last evaluated 2022-07-14.

Conditions:
Von Hippel-Lindau syndrome (VHLS). Also called: von Hippel–Lindau syndrome; Von Hippel-Lindau; VHL syndrome. Identifiers: Orphanet 892, MedGen C0019562, MONDO:0008667, OMIM 193300. Disease mechanism: loss of function.
Chuvash polycythemia. Also called: POLYCYTHEMIA, VHL-DEPENDENT. Identifiers: Orphanet 238557, MedGen C1837915, MONDO:0009892, OMIM 263400.
Hereditary cancer-predisposing syndrome. Also called: Tumor predisposition; Neoplastic Syndromes, Hereditary; Hereditary Cancer Syndrome; Hereditary neoplastic syndrome. Identifiers: Orphanet 140162, MedGen C0027672, MeSH D009386, MONDO:0015356.

Submissions (3):

Labcorp Genetics (formerly Invitae), Labcorp
Classification: Pathogenic for Von Hippel-Lindau syndrome; Chuvash polycythemia. Last evaluated: 2022-07-14. Review status: criteria provided, single submitter. Criteria: Invitae Variant Classification Sherloc (09022015). Collection method: clinical testing. Allele origin: germline.
Comment: This missense change has been observed in individuals with clinical features of von Hippel-Lindau syndrome (PMID: 8707293, 10567493, 19464396, 23512077). This variant is not present in population databases (gnomAD no frequency). This sequence change replaces arginine, which is basic and polar, with glycine, which is neutral and non-polar, at codon 161 of the VHL protein (p.Arg161Gly). ClinVar contains an entry for this variant (Variation ID: 618484). For these reasons, this variant has been classified as Pathogenic. This variant disrupts the p.Arg161 amino acid residue in VHL. Other variant(s) that disrupt this residue have been determined to be pathogenic (PMID: 12000816, 14767570, 20120764, 23842656, 25371412). This suggests that this residue is clinically significant, and that variants that disrupt this residue are likely to be disease-causing. Advanced modeling of protein sequence and biophysical properties (such as structural, functional, and spatial information, amino acid conservation, physicochemical variation, residue mobility, and thermodynamic stability) performed at Invitae indicates that this missense variant is expected to disrupt VHL protein function.

Ambry Genetics
Classification: Pathogenic for Hereditary cancer-predisposing syndrome. Last evaluated: 2020-08-03. Review status: criteria provided, single submitter. Criteria: Ambry Variant Classification Scheme 2023. Collection method: clinical testing. Allele origin: germline.
Comment: The p.R161G pathogenic mutation (also known as c.481C>G), located in coding exon 3 of the VHL gene, results from a C to G substitution at nucleotide position 481. The arginine at codon 161 is replaced by glycine, an amino acid with dissimilar properties. This mutation has been identified in multiple individuals and families with histories consistent with Von Hippel-Lindau syndrome (Glavac D et al. Hum. Genet., 1996 Sep;98:271-80; Gl&auml;sker S et al. J. Neurol. Neurosurg. Psychiatry, 1999 Dec;67:758-62; Murgia A et al. Hum. Mutat., 2000 Jan;15:114; Ciotti P et al. Eur J Med Genet 2009 May;52:311-4; Kim HJ et al. Laryngoscope, 2013 Feb;123:477-83; Fishbein L et al. Ann. Surg. Oncol., 2013 May;20:1444-50; Krauss T et al. Endocr. Relat. Cancer, 2018 09;25:783-793). One study predicted this alteration to be pathogenic using a Bayesian model that incorporates phylogenetic, biochemical, and structural features (Cai Z et al. Hum. Mutat., 2004 Aug;24:178-84). In another study, in vitro experiments suggest that mutations affecting residue 161, such as p.R161G, negatively impact elongin-binding activity (Ohh M et al. J. Clin. Invest., 1999 Dec;104:1583-91). Of note, this alteration is also designated as 694C>G in the published literature. In addition, this alteration is predicted to be deleterious by in silico analysis. Based on the supporting evidence, this alteration is interpreted as a disease-causing mutation.

ARUP Laboratories, Molecular Genetics and Genomics, ARUP Laboratories
Classification: Pathogenic. Last evaluated: 2017-11-03. Review status: criteria provided, single submitter. Criteria: ARUP Molecular Germline Variant Investigation Process. Collection method: clinical testing. Allele origin: germline.

Literature cited by the submitters: PubMed 8707293 (cited by Labcorp Genetics (formerly Invitae), Labcorp and Ambry Genetics); PubMed 10567493 (cited by Labcorp Genetics (formerly Invitae), Labcorp and Ambry Genetics); PubMed 19464396 (cited by Labcorp Genetics (formerly Invitae), Labcorp and Ambry Genetics); PubMed 23512077 (cited by Labcorp Genetics (formerly Invitae), Labcorp and Ambry Genetics); PubMed 12000816 (cited by Labcorp Genetics (formerly Invitae), Labcorp); PubMed 14767570 (cited by Labcorp Genetics (formerly Invitae), Labcorp); PubMed 20120764 (cited by Labcorp Genetics (formerly Invitae), Labcorp); PubMed 23842656 (cited by Labcorp Genetics (formerly Invitae), Labcorp); PubMed 25371412 (cited by Labcorp Genetics (formerly Invitae), Labcorp); PubMed 10587522 (cited by Ambry Genetics); PubMed 10612832 (cited by Ambry Genetics); PubMed 15241800 (cited by Ambry Genetics); PubMed 23070752 (cited by Ambry Genetics); PubMed 29748190 (cited by Ambry Genetics).